The following is an entry in ClinVar:

NM_001282933.2(ZNF341):c.2360C>G (p.Ala787Gly)

Genes: ZNF341 (zinc finger protein 341; plus strand), ZNF341-AS1 (ZNF341 antisense RNA 1; minus strand). Cytogenetic location: 20q11.22.
Variant type: single nucleotide variant.
Coding change: c.2360C>G on transcript NM_001282933.2 (MANE Select); coding-DNA position 2360, C replaced by G.
Protein change: p.Ala787Gly; replaces alanine 787 with glycine.
Molecular consequence: missense variant. On other transcripts: non-coding transcript variant (1).
Genome position (GRCh38, 1-based): chr20:33,791,312, C>G. VCF-style: chr20-33791312-C-G. GRCh37 (hg19) VCF-style: chr20-32379118-C-G.
Other names: c.2090C>G, p.Ala697Gly (NM_001282935.2); c.2339C>G, p.Ala780Gly (NM_032819.5); short protein forms A780G, A787G, A697G.
Identifiers: ClinVar variation 1958673 (VCV001958673.4), dbSNP rs41303803, ClinGen allele CA9819779.

ClinVar aggregate classification (germline): Uncertain significance (1 of 4 stars; one submission).

Allele frequency attached by ClinVar (database versions not stated): ExAC 0.00001; gnomAD 0.00004; TOPMed 0.00004; ESP Exome Variant Server 0.00008.
gnomAD v4.1: 9 of 1,611,450 alleles (0.00056%); highest among the groups gnomAD compares: African/African-American, 0.012%; no homozygotes.

Submission:

Labcorp Genetics (formerly Invitae), Labcorp
Classification: Uncertain significance. Last evaluated: 2022-04-22. Review status: criteria provided, single submitter. Criteria: Invitae Variant Classification Sherloc (09022015). Collection method: clinical testing. Allele origin: germline.
Comment: In summary, the available evidence is currently insufficient to determine the role of this variant in disease. Therefore, it has been classified as a Variant of Uncertain Significance. Algorithms developed to predict the effect of missense changes on protein structure and function output the following: SIFT: "Tolerated"; PolyPhen-2: "Benign"; Align-GVGD: "Class C0". The glycine amino acid residue is found in multiple mammalian species, which suggests that this missense change does not adversely affect protein function. This variant has not been reported in the literature in individuals affected with ZNF341-related conditions. This variant is present in population databases (rs41303803, gnomAD 0.02%). This sequence change replaces alanine, which is neutral and non-polar, with glycine, which is neutral and non-polar, at codon 780 of the ZNF341 protein (p.Ala780Gly).